The following is an entry in ClinVar:

ClinVar aggregate classification (germline): Uncertain significance (1 of 4 stars; one submission).

Conditions:
Hereditary cancer-predisposing syndrome. Also called: Tumor predisposition; Hereditary Cancer Syndrome; Hereditary neoplastic syndrome; Neoplastic Syndromes, Hereditary. Identifiers: Orphanet 140162, MedGen C0027672, MeSH D009386, MONDO:0015356.

Submission:

Ambry Genetics
Classification: Uncertain significance for Hereditary cancer-predisposing syndrome. Last evaluated: 2026-02-12. Review status: criteria provided, single submitter. Criteria: Ambry Variant Classification Scheme 2023. Collection method: clinical testing. Allele origin: germline.
Comment: The c.1238-3C>T intronic variant results from a C to T substitution 3 nucleotides upstream from coding exon 8 in the PDGFRA gene. This nucleotide position is well conserved in available vertebrate species. In silico splice site analysis for this alteration is inconclusive. Based on the available evidence, the clinical significance of this variant remains unclear.

NM_006206.6(PDGFRA):c.1238-3C>T

Gene: PDGFRA (platelet derived growth factor receptor alpha; plus strand). Cytogenetic location: 4q12.
Variant type: single nucleotide variant.
Coding change: c.1238-3C>T on transcript NM_006206.6 (MANE Select); 3 bases into the intron before coding-DNA position 1238, C replaced by T.
Molecular consequence: intron variant.
Genome position (GRCh38, 1-based): chr4:54,272,391, C>T. VCF-style: chr4-54272391-C-T. GRCh37 (hg19) VCF-style: chr4-55138558-C-T.
Other names: c.1313-3C>T (NM_001347828.2); c.1238-3C>T (NM_001347827.2, NM_001347829.2); c.1277-3C>T (NM_001347830.2).
Identifiers: ClinVar variation 1757272 (VCV001757272.3), dbSNP rs2110286682, ClinGen allele CA2580071089.